The following is an entry in ClinVar:

NM_006267.5(RANBP2):c.1953C>G (p.His651Gln)

Gene: RANBP2 (RAN binding protein 2; plus strand). Cytogenetic location: 2q13.
Variant type: single nucleotide variant.
Coding change: c.1953C>G on transcript NM_006267.5 (MANE Select); coding-DNA position 1953, C replaced by G.
Protein change: p.His651Gln; replaces histidine 651 with glutamine.
Molecular consequence: missense variant.
Genome position (GRCh38, 1-based): chr2:108,753,461, C>G. VCF-style: chr2-108753461-C-G. GRCh37 (hg19) VCF-style: chr2-109369917-C-G.
Other names: c.1953C>G (NM_006267.4); short protein forms H651Q.
Identifiers: ClinVar variation 1379308 (VCV001379308.7), dbSNP rs756288262, ClinGen allele CA348052940.

ClinVar aggregate classification (germline): Uncertain significance. Review status: criteria provided, multiple submitters, no conflicts (2 of 4 stars). 2 submissions from 2 submitters: Uncertain significance (2). Last evaluated 2023-11-29.

Conditions:
Familial acute necrotizing encephalopathy (IIAE3). Also called: ENCEPHALOPATHY, ACUTE, INFECTION-INDUCED, SUSCEPTIBILITY TO, 3; Susceptibility to Acute Necrotizing Encephalopathy 1. Identifiers: Orphanet 88619, MedGen C2675556, MONDO:0011953, OMIM 608033.

Submissions (2):

GeneDx
Classification: Uncertain significance. Last evaluated: 2023-11-29. Review status: criteria provided, single submitter. Criteria: GeneDx Variant Classification Process June 2021. Collection method: clinical testing. Allele origin: germline. Affected: yes.
Comment: Not observed at significant frequency in large population cohorts (gnomAD); In silico analysis supports that this missense variant does not alter protein structure/function; Has not been previously published as pathogenic or benign to our knowledge

Labcorp Genetics (formerly Invitae), Labcorp
Classification: Uncertain significance for Familial acute necrotizing encephalopathy. Last evaluated: 2021-09-02. Review status: criteria provided, single submitter. Criteria: Invitae Variant Classification Sherloc (09022015). Collection method: clinical testing. Allele origin: germline.
Comment: This sequence change replaces histidine with glutamine at codon 651 of the RANBP2 protein (p.His651Gln). The histidine residue is highly conserved and there is a small physicochemical difference between histidine and glutamine. This variant is not present in population databases (ExAC no frequency). This variant has not been reported in the literature in individuals affected with RANBP2-related conditions. Algorithms developed to predict the effect of missense changes on protein structure and function output the following: SIFT: "Deleterious"; PolyPhen-2: "Benign"; Align-GVGD: "Class C15". The glutamine amino acid residue is found in multiple mammalian species, which suggests that this missense change does not adversely affect protein function. In summary, the available evidence is currently insufficient to determine the role of this variant in disease. Therefore, it has been classified as a Variant of Uncertain Significance.